The following is an entry in ClinVar:

NM_000157.4(GBA1):c.1246G>T (p.Gly416Cys)

Genes: GBA1 (glucosylceramidase beta 1; minus strand), LOC106627981 (GBA recombination region; plus strand). Cytogenetic location: 1q22.
Variant type: single nucleotide variant.
Coding change: c.1246G>T on transcript NM_000157.4 (MANE Select); coding-DNA position 1246, G replaced by T.
Protein change: p.Gly416Cys; replaces glycine 416 with cysteine.
Molecular consequence: missense variant.
Genome position (GRCh38, 1-based): chr1:155,235,823, C>A on the plus strand (G>T on the coding strand, the complement: GBA1 is on the minus strand). VCF-style: chr1-155235823-C-A. GRCh37 (hg19) VCF-style: chr1-155205614-C-A.
Other names: c.1246G>T, p.Gly416Cys (NM_001005741.3, NM_001005742.3); c.985G>T, p.Gly329Cys (NM_001171811.2); c.1099G>T, p.Gly367Cys (NM_001171812.2); short protein forms G329C, G367C, G416C.
Identifiers: ClinVar variation 4068433 (VCV004068433.2).

ClinVar aggregate classification (germline): Likely pathogenic (1 of 4 stars; one submission).

Conditions:
Gaucher disease. Also called: Kerasin lipoidosis; Kerasin thesaurismosis; Acute cerebral Gaucher disease; Cerebroside lipidosis syndrome; Gaucher splenomegaly; Sphingolipidosis 1. Identifiers: Orphanet 355, MedGen C0017205, MONDO:0018150.

gnomAD v4.1: 1 of 1,614,194 alleles (0.000062%); highest among the groups gnomAD compares: Non-Finnish European, 0.000085%; no homozygotes.

Submission:

Natera, Inc.
Classification: Likely pathogenic for Gaucher disease. Last evaluated: 2025-02-18. Review status: criteria provided, single submitter. Criteria: Natera Variant Classification Schema (03/2026). Collection method: clinical testing. Allele origin: germline.
Comment: The c.1246G>T variant in GBA1 is a missense variant predicted to cause substitution of glycine to cysteine at amino acid 416. This variant is rare in the general population with a frequency below the threshold expected for the associated phenotype(s). This variant has been observed in one or more individuals affected with the associated recessive disease, as either homozygous or compound heterozygous with a second variant (PMID: 28871878). A different variant at the same position has been determined to be Pathogenic or Likely Pathogenic. Computational prediction algorithms indicate this variant is likely to affect gene or protein function. Given the available evidence, this variant is classified as Likely Pathogenic.

Literature cited by the submitters: PubMed 28871878.